The following is an entry in ClinVar:

ClinVar aggregate classification (germline): Uncertain significance (1 of 4 stars; one submission).

Submission:

Labcorp Genetics (formerly Invitae), Labcorp
Classification: Uncertain significance. Last evaluated: 2021-05-19. Review status: criteria provided, single submitter. Criteria: Invitae Variant Classification Sherloc (09022015). Collection method: clinical testing. Allele origin: germline.
Comment: In summary, the available evidence is currently insufficient to determine the role of this variant in disease. Therefore, it has been classified as a Variant of Uncertain Significance. This variant has not been reported in the literature in individuals with UNC45A-related conditions. This variant is not present in population databases (ExAC no frequency). This sequence change creates a premature translational stop signal (p.Val21_Glu22insAlaAlaGlyLys*) in the UNC45A gene. It is expected to result in an absent or disrupted protein product. However, the current clinical and genetic evidence is not sufficient to establish whether loss-of-function variants in UNC45A cause disease.

NM_018671.5(UNC45A):c.62_63insAGCAGCTGGGAAGTAGCA (p.Val21_Glu22insAlaAlaGlyLysTer)

Gene: UNC45A (unc-45 myosin chaperone A; plus strand). Cytogenetic location: 15q26.1.
Variant type: Insertion.
Coding change: c.62_63insAGCAGCTGGGAAGTAGCA on transcript NM_018671.5 (MANE Select); coding-DNA positions 62 to 63, AGCAGCTGGGAAGTAGCA inserted.
Protein change: p.Val21_Glu22insAlaAlaGlyLysTer.
Molecular consequence: nonsense, inframe insertion. On other transcripts: 5 prime UTR variant (1).
Genome position: GRCh38 VCF-style: chr15-90935554-T-TAGCAGCTGGGAAGTAGCA. GRCh37 (hg19) VCF-style: chr15-91478784-T-TAGCAGCTGGGAAGTAGCA.
Other names: c.17_18insAGCAGCTGGGAAGTAGCA, p.Val6_Glu7insAlaAlaGlyLysTer (NM_001039675.2, NM_001323621.2); c.62_63insAGCAGCTGGGAAGTAGCA, p.Val21_Glu22insAlaAlaGlyLysTer (NM_001323619.1); c.-522_-521insAGCAGCTGGGAAGTAGCA (NM_001323620.2).
Identifiers: ClinVar variation 1435976 (VCV001435976.6), dbSNP rs2151353430, ClinGen allele CA2573151459.